The following is an entry in ClinVar:

NM_001614.5(ACTG1):c.85G>A (p.Ala29Thr)

Genes: ACTG1 (actin gamma 1; minus strand), LOC130061940 (ATAC-STARR-seq lymphoblastoid active region 12964; plus strand). Cytogenetic location: 17q25.3.
Variant type: single nucleotide variant.
Coding change: c.85G>A on transcript NM_001614.5 (MANE Select); coding-DNA position 85, G replaced by A.
Protein change: p.Ala29Thr; replaces alanine 29 with threonine.
Molecular consequence: missense variant. On other transcripts: non-coding transcript variant (1).
Genome position (GRCh38, 1-based): chr17:81,512,270, C>T on the plus strand (G>A on the coding strand, the complement: ACTG1 is on the minus strand). VCF-style: chr17-81512270-C-T. GRCh37 (hg19) VCF-style: chr17-79479296-C-T.
Other names: c.85G>A, p.Ala29Thr (NM_001199954.3); short protein forms A29T.
Identifiers: ClinVar variation 2632597 (VCV002632597.1), dbSNP rs782108009, ClinGen allele CA401463632.

ClinVar aggregate classification (germline): Uncertain significance (1 of 4 stars; one submission).

Conditions:
ACTG1-related disorder. Also called: ACTG1-related condition; ACTG1-related disorders.

Submission:

PreventionGenetics, part of Exact Sciences
Classification: Uncertain significance for ACTG1-related condition. Last evaluated: 2023-06-12. Review status: criteria provided, single submitter. Criteria: ACMG Guidelines, 2015. Collection method: clinical testing. Allele origin: germline.
Comment: The ACTG1 c.85G>A variant is predicted to result in the amino acid substitution p.Ala29Thr. To our knowledge, this variant has not been reported in the literature or in a large population database, indicating this variant is rare. At this time, the clinical significance of this variant is uncertain due to the absence of conclusive functional and genetic evidence.